The following is an entry in ClinVar:

NM_001267550.2(TTN):c.57331C>T (p.Arg19111Ter)

Genes: TTN-AS1 (TTN antisense RNA 1; plus strand), TTN (titin; minus strand). Cytogenetic location: 2q31.2.
Variant type: single nucleotide variant.
Coding change: c.57331C>T on transcript NM_001267550.2 (MANE Select); coding-DNA position 57331, C replaced by T.
Protein change: p.Arg19111Ter; replaces arginine 19111 with a stop codon.
Molecular consequence: nonsense.
Genome position (GRCh38, 1-based): chr2:178,597,751, G>A on the plus strand (C>T on the coding strand, the complement: TTN is on the minus strand). VCF-style: chr2-178597751-G-A. GRCh37 (hg19) VCF-style: chr2-179462478-G-A.
Other names: p.R17470*:CGA>TGA; c.52408C>T, p.Arg17470Ter (NM_001256850.1); c.30136C>T, p.Arg10046Ter (NM_003319.4); c.49627C>T, p.Arg16543Ter (NM_133378.4); c.30511C>T, p.Arg10171Ter (NM_133432.3); c.30712C>T, p.Arg10238Ter (NM_133437.4); short protein forms R19111*, R16543*, R17470*, R10171*, R10046*, R10238*.
Identifiers: ClinVar variation 47121 (VCV000047121.29), dbSNP rs72646831, ClinGen allele CA261883.
Genomic context (GRCh38, chr2:178,597,751, plus strand): 5'-TTTCATTCATGTTCCAGGTGACGGTTGGAGGAGGCTTTCCAGACACATAGGCAATGATTC[G>A]GATCACCCCTCCAGCATGGACAACAATTCTATCTCTGACACTGGCATCTAGCTGAAGGTC-3'

ClinVar aggregate classification (germline): Conflicting classifications of pathogenicity. Review status: criteria provided, conflicting classifications (1 of 4 stars). 8 submissions from 8 submitters: Pathogenic (6); Likely pathogenic (1); Uncertain significance (1). Last evaluated 2026-01-22.

Conditions:
TTN-related disorder. Also called: TTN-related disorders; TTN-related condition; TTN-related disease.
Cardiovascular phenotype. Identifiers: MedGen CN230736.
Dilated cardiomyopathy 1G (CMD1G). Identifiers: Orphanet 154, MedGen C1858763, MONDO:0011400, OMIM 604145.
Autosomal recessive limb-girdle muscular dystrophy type 2J (LGMDR10). Also called: MUSCULAR DYSTROPHY, LIMB-GIRDLE, AUTOSOMAL RECESSIVE 10; Limb-girdle muscular dystrophy, type 2J. Identifiers: Orphanet 140922, MedGen C1837342, MONDO:0012127, OMIM 608807.
Primary dilated cardiomyopathy (DCM). Also called: Dilated Cardiomyopathy. Identifiers: Orphanet 217604, MedGen C0007193, MeSH D002311, MONDO:0005021, HP:0001644. Inheritance: Various modes of inheritance.

Allele frequency attached by ClinVar (database versions not stated): gnomAD exomes below 0.00001.
gnomAD v4.1: 3 of 1,613,128 alleles (0.00019%); highest among the groups gnomAD compares: Non-Finnish European, 0.00017%; no homozygotes.

Submissions (8):

GeneDx
Classification: Pathogenic. Last evaluated: 2026-01-22. Review status: criteria provided, single submitter. Criteria: GeneDx Variant Classification Process June 2021. Collection method: clinical testing. Allele origin: germline. Affected: yes.
Comment: Nonsense variant predicted to result in protein truncation or nonsense mediated decay in a gene for which loss of function is a known mechanism of disease; Not observed at significant frequency in large population cohorts (gnomAD); Located in the A-band, a region of TTN for which truncating variants are significantly associated with autosomal dominant cardiomyopathy and also with autosomal recessive skeletal myopathies (PMID: 22335739, 32778822); This variant is associated with the following publications: (PMID: 29691892, 38438525, 37221934, 24119082, 28416588, 32778822, 33874732, 31737537, 22335739, 36396199, 26735901, 31514951, 36264615)

Labcorp Genetics (formerly Invitae), Labcorp
Classification: Pathogenic for Dilated cardiomyopathy 1G; Autosomal recessive limb-girdle muscular dystrophy type 2J. Last evaluated: 2025-04-17. Review status: criteria provided, single submitter. Criteria: Invitae Variant Classification Sherloc (09022015). Collection method: clinical testing. Allele origin: germline.
Comment: This sequence change creates a premature translational stop signal (p.Arg19111*) in the TTN gene. While this is not anticipated to result in nonsense mediated decay, it is expected to create a truncated TTN protein. This variant is not present in population databases (gnomAD no frequency). This premature translational stop signal has been observed in individuals with dilated cardiomyopathy (PMID: 22335739, 31514951). ClinVar contains an entry for this variant (Variation ID: 47121). This variant is located in the A band of TTN (PMID: 25589632). Truncating variants in this region are significantly overrepresented in patients affected with dilated cardiomyopathy (PMID: 25589632). Truncating variants in this region have also been reported in individuals affected with autosomal recessive centronuclear myopathy (PMID: 23975875). For these reasons, this variant has been classified as Pathogenic.

Molecular Diagnostic Laboratory for Inherited Cardiovascular Disease, Montreal Heart Institute
Classification: Pathogenic for Cardiovascular phenotype. Last evaluated: 2024-07-09. Review status: criteria provided, single submitter. Criteria: ACMG Guidelines, 2015. Collection method: clinical testing. Allele origin: germline. Affected: yes.
Comment: PVS1, PS4_mod, PM2, PP1, PP5

Ambry Genetics
Classification: Pathogenic for Cardiovascular phenotype. Last evaluated: 2024-05-02. Review status: criteria provided, single submitter. Criteria: Ambry Variant Classification Scheme 2023. Collection method: clinical testing. Allele origin: germline.
Comment: The c.30136C>T (p.R10046*) alteration, located in exon 122 (coding exon 121) of the TTN gene, consists of a C to T substitution at nucleotide position 30136. This changes the amino acid from a arginine (R) to a stop codon at amino acid position 10046. This alteration is expected to result in loss of function by premature protein truncation or nonsense-mediated mRNA decay. This exon is located in the A-band of the N2-B isoform of the titin protein and is constitutively expressed in TTN transcripts (percent spliced in or PSI 100%). The TTN c.30136C>T alteration was flagged as a low confidence call in the Genome Aggregation Database (gnomAD). This variant has been reported in overlapping dilated cardiomyopathy (DCM) cohorts, where co-segregation with DCM was demonstrated in one family (Herman, 2012; Merlo, 2013; Dal Ferro, 2017). Based on the available evidence, this alteration is classified as pathogenic.

Blueprint Genetics
Classification: Pathogenic for TTN-related disorders. Last evaluated: 2023-08-01. Review status: criteria provided, single submitter. Criteria: ACMG Guidelines, 2015. Collection method: clinical testing. Allele origin: germline. Affected: yes. Observed: 2 variant alleles.

Stanford Center for Inherited Cardiovascular Disease, Stanford University
Classification: Uncertain significance. Last evaluated: 2015-07-22. Review status: criteria provided, single submitter. Criteria: ACMG Guidelines, 2015. Collection method: provider interpretation. Allele origin: germline.

Laboratory for Molecular Medicine, Mass General Brigham Personalized Medicine
Classification: Likely pathogenic for Primary dilated cardiomyopathy. Last evaluated: 2013-04-17. Review status: criteria provided, single submitter. Criteria: LMM Criteria. Collection method: clinical testing. Allele origin: germline. Inheritance: Autosomal dominant inheritance. Observed: 2 variant alleles.
Comment: The variant is listed in dbSNP with a frequency of 1/376 chromosomes (this data represents a clinical cohort) and was absent from European American and African American chromosomes by the NHLBI Exome Sequencing Project (dbSNP rs72646831). This nonsense variant leads to a pr emature termination codon at position 16543, which is predicted to lead to a tru ncated or absent protein. Truncating variants in TTN are strongly associated wit h DCM (Herman 2012). In summary, the Arg16543X variant is likely to be pathogeni c, but additional information is needed to fully assess its clinical significanc e.

Juno Genomics, Hangzhou Juno Genomics, Inc
Classification: Pathogenic for Dilated cardiomyopathy 1G. Review status: criteria provided, single submitter. Criteria: ACMG Guidelines, 2015. Collection method: clinical testing. Allele origin: germline.
Comment: Absent from controls (or at extremely low frequency if recessive) in Genome Aggregation Database.;Null variant in a gene where loss of function (LOF) is a known mechanism of disease.;The prevalence of the variant in affected individuals is significantly increased compared to the prevalence in controls.

Literature cited by the submitters: PubMed 22335739 (cited by Labcorp Genetics (formerly Invitae), Labcorp and Ambry Genetics); PubMed 31514951 (cited by Labcorp Genetics (formerly Invitae), Labcorp); PubMed 25589632 (cited by Labcorp Genetics (formerly Invitae), Labcorp); PubMed 23975875 (cited by Labcorp Genetics (formerly Invitae), Labcorp); PubMed 24119082 (cited by Ambry Genetics); PubMed 28416588 (cited by Ambry Genetics).